The following is an entry in ClinVar:

NM_005477.3(HCN4):c.2765A>C (p.Asp922Ala)

Gene: HCN4 (hyperpolarization activated cyclic nucleotide gated potassium channel 4; minus strand). Cytogenetic location: 15q24.1.
Variant type: single nucleotide variant.
Coding change: c.2765A>C on transcript NM_005477.3 (MANE Select); coding-DNA position 2765, A replaced by C.
Protein change: p.Asp922Ala; replaces aspartic acid 922 with alanine.
Molecular consequence: missense variant.
Genome position (GRCh38, 1-based): chr15:73,323,328, T>G on the plus strand (A>C on the coding strand, the complement: HCN4 is on the minus strand). VCF-style: chr15-73323328-T-G. GRCh37 (hg19) VCF-style: chr15-73615669-T-G.
Other names: short protein forms D922A.
Identifiers: ClinVar variation 1426162 (VCV001426162.6), dbSNP rs2151214442, ClinGen allele CA393088118.

ClinVar aggregate classification (germline): Uncertain significance (1 of 4 stars; one submission).

Conditions:
Brugada syndrome 8 (BRGDA8). Identifiers: Orphanet 130, MedGen C2751083, MONDO:0013148, OMIM 613123.

Submission:

Labcorp Genetics (formerly Invitae), Labcorp
Classification: Uncertain significance for Brugada syndrome 8. Last evaluated: 2021-11-14. Review status: criteria provided, single submitter. Criteria: Invitae Variant Classification Sherloc (09022015). Collection method: clinical testing. Allele origin: germline.
Comment: In summary, the available evidence is currently insufficient to determine the role of this variant in disease. Therefore, it has been classified as a Variant of Uncertain Significance. Advanced modeling of protein sequence and biophysical properties (such as structural, functional, and spatial information, amino acid conservation, physicochemical variation, residue mobility, and thermodynamic stability) performed at Invitae indicates that this missense variant is not expected to disrupt HCN4 protein function. This variant has not been reported in the literature in individuals affected with HCN4-related conditions. This variant is not present in population databases (gnomAD no frequency). This sequence change replaces aspartic acid, which is acidic and polar, with alanine, which is neutral and non-polar, at codon 922 of the HCN4 protein (p.Asp922Ala).